The following is an entry in ClinVar:

NM_000132.4(F8):c.5999G>C (p.Gly2000Ala)

Gene: F8 (coagulation factor VIII; minus strand). Cytogenetic location: Xq28.
Variant type: single nucleotide variant.
Coding change: c.5999G>C on transcript NM_000132.4 (MANE Select); coding-DNA position 5999, G replaced by C.
Protein change: p.Gly2000Ala; replaces glycine 2000 with alanine.
Molecular consequence: missense variant.
Genome position (GRCh38, 1-based): chrX:154,902,167, C>G on the plus strand (G>C on the coding strand, the complement: F8 is on the minus strand). VCF-style: chrX-154902167-C-G. GRCh37 (hg19) VCF-style: chrX-154130442-C-G.
Other names: short protein forms G2000A.
Identifiers: ClinVar variation 1698740 (VCV001698740.4), dbSNP rs1603432913, ClinGen allele CA414905225.
Genomic context (GRCh38, chrX:154,902,167, plus strand): 5'-AGGCATTCCACCCGCCAAATTCCAGCTTTGGATGGTAACATTTCCACTGTCTCAAAAACA[C>G]CTTATAAAAACCAACAGGAACAGAAATTATTTCTTTTCACTAAAAAATGAGCATGAGATA-3'
Protein context (NP_000123.1, residues 1990-2010): YKMALYNLYP[Gly2000Ala]VFETVEMLPS

ClinVar aggregate classification (germline): Likely pathogenic. Review status: criteria provided, multiple submitters, no conflicts (2 of 4 stars). 2 submissions from 2 submitters: Likely pathogenic (2). Last evaluated 2026-03-13.

Conditions:
Hereditary factor VIII deficiency disease (HEMA). Also called: HEMOPHILIA, CLASSIC; Hemophilia A, congenital; HEM A; Factor 8 deficiency, congenital; AUTOSOMAL HEMOPHILIA A; Hemophilia A. Identifiers: Orphanet 98878, MedGen C0019069, MONDO:0010602, OMIM 306700.

Submissions (2):

Women's Health and Genetics/Laboratory Corporation of America, LabCorp
Classification: Likely pathogenic for Hereditary factor VIII deficiency disease. Last evaluated: 2026-03-13. Review status: criteria provided, single submitter. Criteria: LabCorp Variant Classification Summary - May 2015. Collection method: clinical testing. Allele origin: germline.
Comment: Variant summary: F8 c.5999G>C (p.Gly2000Ala) results in a non-conservative amino acid change in the encoded protein sequence near a canonical splice site. Algorithms developed to predict the effect of missense changes on protein structure and function all suggest that this variant is likely to be disruptive. Consensus agreement among computation tools predict no significant impact on normal splicing. At least two publications report experimental evidence that this variant affects mRNA splicing (Cygan_2020, Lombardi_2021). The variant was absent in 183234 control chromosomes. c.5999G>C has been observed in individuals affected with Factor VIII Deficiency (Hemophilia A), including those with severe and mild phenotypes (Goodeve_2000, Xue_2010, Eckhardt_2013, Cygan_2020). These data indicate that the variant is likely to be associated with disease. At least one publication reports experimental evidence evaluating an impact on protein function. These results showed no damaging effect of this variant on protein secretion or activity (Lombardi_2021). Instead, it has been suggested that phenotype severity in individuals with this variant is due to the degree of aberrant splicing that occurs in that individual, as opposed to the variant impacting protein function directly (Cygan_2020). The following publications have been ascertained in the context of this evaluation (PMID: 32521332, 23926300, 10896236, 34242570, 20528906). ClinVar contains an entry for this variant (Variation ID: 1698740). Based on the evidence outlined above, the variant was classified as likely pathogenic.

Genetics and Molecular Pathology, SA Pathology
Classification: Likely pathogenic for Hereditary factor VIII deficiency disease. Last evaluated: 2020-08-06. Review status: criteria provided, single submitter. Criteria: ACMG Guidelines, 2015. Collection method: clinical testing. Allele origin: germline. Inheritance: X-linked recessive inheritance. Affected: yes.

Literature cited by the submitters: PubMed 23926300 (cited by Women's Health and Genetics/Laboratory Corporation of America, LabCorp); PubMed 20528906 (cited by Women's Health and Genetics/Laboratory Corporation of America, LabCorp); PubMed 34242570 (cited by Women's Health and Genetics/Laboratory Corporation of America, LabCorp); PubMed 32521332 (cited by Women's Health and Genetics/Laboratory Corporation of America, LabCorp); PubMed 10896236 (cited by Women's Health and Genetics/Laboratory Corporation of America, LabCorp).